The following is an entry in ClinVar:

ClinVar aggregate classification (germline): Benign/Likely benign. Review status: criteria provided, multiple submitters, no conflicts (2 of 4 stars). 2 submissions from 2 submitters: Benign (1); Likely benign (1). Last evaluated 2025-02-04.

Conditions:
Lynch syndrome 4 (LYNCH4). Also called: Colorectal cancer, hereditary nonpolyposis, type 4; Hereditary non-polyposis colorectal cancer, type 4. Identifiers: Orphanet 144, MedGen C1838333, MONDO:0013699, OMIM 614337. Disease mechanism: loss of function.
Hereditary cancer-predisposing syndrome. Also called: Hereditary Cancer Syndrome; Neoplastic Syndromes, Hereditary; Tumor predisposition; Hereditary neoplastic syndrome. Identifiers: Orphanet 140162, MedGen C0027672, MeSH D009386, MONDO:0015356.

Submissions (2):

Myriad Genetics, Inc.
Classification: Benign for Lynch syndrome 4. Last evaluated: 2025-02-04. Review status: criteria provided, single submitter. Criteria: Myriad Autosomal Dominant, Autosomal Recessive and X-Linked Classification Criteria (2023). Collection method: clinical testing. Allele origin: unknown.
Comment: This variant is considered benign. This variant is a silent/synonymous amino acid change and it is not expected to impact splicing.

Ambry Genetics
Classification: Likely benign for Hereditary cancer-predisposing syndrome. Last evaluated: 2016-06-02. Review status: criteria provided, single submitter. Criteria: Ambry Variant Classification Scheme 2023. Collection method: clinical testing. Allele origin: germline.

NM_000535.7(PMS2):c.2403C>T (p.Ser801=)

Gene: PMS2 (PMS1 homolog 2, mismatch repair system component; minus strand). Cytogenetic location: 7p22.1.
Variant type: single nucleotide variant.
Coding change: c.2403C>T on transcript NM_000535.7 (MANE Select); coding-DNA position 2403, C replaced by T.
Protein change: p.Ser801=; no amino-acid change (serine 801 retained).
Molecular consequence: synonymous variant. On other transcripts: non-coding transcript variant (1).
Genome position (GRCh38, 1-based): chr7:5,977,630, G>A on the plus strand (C>T on the coding strand, the complement: PMS2 is on the minus strand). VCF-style: chr7-5977630-G-A. GRCh37 (hg19) VCF-style: chr7-6017261-G-A.
Other names: c.1998C>T, p.Ser666= (NM_001322004.2, NM_001322005.2, NM_001322003.2); c.2247C>T, p.Ser749= (NM_001322006.2); c.2085C>T, p.Ser695= (NM_001322008.2, NM_001322007.2); c.2031C>T, p.Ser677= (NM_001322009.2); c.1842C>T, p.Ser614= (NM_001322010.2); c.1470C>T, p.Ser490= (NM_001322011.2, NM_001322012.2); c.1830C>T, p.Ser610= (NM_001322013.2); c.2436C>T, p.Ser812= (NM_001322014.2); and 1 more.
Identifiers: ClinVar variation 480329 (VCV000480329.6), dbSNP rs1554293820, ClinGen allele CA453642342.